The following is an entry in ClinVar:

ClinVar aggregate classification (germline): Uncertain significance (1 of 4 stars; one submission).

Conditions:
Ellis-van Creveld syndrome (EVC). Also called: EVC-Related Ellis-van Creveld Syndrome; EVC2-Related Ellis-van Creveld Syndrome; MESOECTODERMAL DYSPLASIA; Chondroectodermal dysplasia. Identifiers: Orphanet 289, MedGen C0013903, MONDO:0009162, OMIM 225500.
Curry-Hall syndrome (WAD). Also called: WEYERS ACRODENTAL DYSOSTOSIS. Identifiers: Orphanet 952, MedGen C0457013, MONDO:0008673, OMIM 193530.

gnomAD v4.1: 1 of 1,613,982 alleles (0.000062%); highest among the groups gnomAD compares: Non-Finnish European, 0.000085%; no homozygotes.

Submission:

Labcorp Genetics (formerly Invitae), Labcorp
Classification: Uncertain significance for Curry-Hall syndrome; Ellis-van Creveld syndrome. Last evaluated: 2022-06-25. Review status: criteria provided, single submitter. Criteria: Invitae Variant Classification Sherloc (09022015). Collection method: clinical testing. Allele origin: germline.
Comment: This sequence change replaces arginine, which is basic and polar, with serine, which is neutral and polar, at codon 486 of the EVC2 protein (p.Arg486Ser). This variant is not present in population databases (gnomAD no frequency). This variant has not been reported in the literature in individuals affected with EVC2-related conditions. Algorithms developed to predict the effect of missense changes on protein structure and function are either unavailable or do not agree on the potential impact of this missense change (SIFT: "Deleterious"; PolyPhen-2: "Benign"; Align-GVGD: "Class C15"). In summary, the available evidence is currently insufficient to determine the role of this variant in disease. Therefore, it has been classified as a Variant of Uncertain Significance.

NM_147127.5(EVC2):c.1456C>A (p.Arg486Ser)

Genes: EVC2 (EvC ciliary complex subunit 2; minus strand), LOC126806961 (BRD4-independent group 4 enhancer GRCh37_chr4:5641443-5642642; plus strand). Cytogenetic location: 4p16.2.
Variant type: single nucleotide variant.
Coding change: c.1456C>A on transcript NM_147127.5 (MANE Select); coding-DNA position 1456, C replaced by A.
Protein change: p.Arg486Ser; replaces arginine 486 with serine.
Molecular consequence: missense variant.
Genome position (GRCh38, 1-based): chr4:5,640,528, G>T on the plus strand (C>A on the coding strand, the complement: EVC2 is on the minus strand). VCF-style: chr4-5640528-G-T. GRCh37 (hg19) VCF-style: chr4-5642255-G-T.
Other names: c.1216C>A, p.Arg406Ser (NM_001166136.2); short protein forms R406S, R486S.
Identifiers: ClinVar variation 2010666 (VCV002010666.4), dbSNP rs780919705, ClinGen allele CA356151197.
Genomic context (GRCh38, chr4:5,640,528, plus strand): 5'-CCTGAGAGAAAGGGAAGTGAACGCCTTCCTTTCAGACCTGTCTTACCCTCTCACCAGCAC[G>T]TTTCAGCAACTCTTCTGCTTCCTCCATTGCCATCATCTCTCTCTGGTACTGGTTTTCCAT-3'
Protein context (NP_667338.3, residues 476-496): AMEEAEELLK[Arg486Ser]AGERSAVECS